The following is an entry in ClinVar:

NM_000046.5(ARSB):c.312+4C>T

Genes: ARSB (arylsulfatase B; minus strand), LOC129994126 (ATAC-STARR-seq lymphoblastoid silent region 16127; plus strand). Cytogenetic location: 5q14.1.
Variant type: single nucleotide variant.
Coding change: c.312+4C>T on transcript NM_000046.5 (MANE Select); 4 bases into the intron after coding-DNA position 312, C replaced by T.
Molecular consequence: intron variant.
Genome position (GRCh38, 1-based): chr5:78,984,933, G>A on the plus strand (C>T on the coding strand, the complement: ARSB is on the minus strand). VCF-style: chr5-78984933-G-A. GRCh37 (hg19) VCF-style: chr5-78280756-G-A.
Other names: c.312+4C>T (NM_198709.3).
Identifiers: ClinVar variation 970843 (VCV000970843.8), dbSNP rs770927433, ClinGen allele CA3318310.

ClinVar aggregate classification (germline): Uncertain significance. Review status: criteria provided, multiple submitters, no conflicts (2 of 4 stars). 3 submissions from 3 submitters: Uncertain significance (2). 1 of the submissions does not count toward it. Last evaluated 2026-03-03.

Conditions:
Mucopolysaccharidosis type 6 (MPS6). Also called: MPS VI; ARYLSULFATASE B DEFICIENCY; ARSB DEFICIENCY; MPS 6; Maroteaux Lamy syndrome; N-ACETYLGALACTOSAMINE-4-SULFATASE DEFICIENCY. Identifiers: Orphanet 583, MedGen C0026709, MONDO:0009661, OMIM 253200.

Allele frequency attached by ClinVar (database versions not stated): ExAC below 0.00001; gnomAD exomes 0.00001; gnomAD 0.00015 and 0.00016; 1000 Genomes Project 30x 0.00016; TOPMed 0.00016.
gnomAD v4.1: 36 of 1,377,118 alleles (0.0026%); highest among the groups gnomAD compares: African/African-American, 0.049%; no homozygotes.

Submissions (3):

Women's Health and Genetics/Laboratory Corporation of America, LabCorp
Classification: Uncertain significance. Last evaluated: 2026-03-03. Review status: criteria provided, single submitter. Criteria: LabCorp Variant Classification Summary - May 2015. Collection method: clinical testing. Allele origin: germline.

Labcorp Genetics (formerly Invitae), Labcorp
Classification: Uncertain significance for Mucopolysaccharidosis type 6. Last evaluated: 2022-09-09. Review status: criteria provided, single submitter. Criteria: Invitae Variant Classification Sherloc (09022015). Collection method: clinical testing. Allele origin: germline.
Comment: This sequence change falls in intron 1 of the ARSB gene. It does not directly change the encoded amino acid sequence of the ARSB protein. It affects a nucleotide within the consensus splice site. The frequency data for this variant in the population databases is considered unreliable, as metrics indicate poor data quality at this position in the gnomAD database. This variant has not been reported in the literature in individuals affected with ARSB-related conditions. ClinVar contains an entry for this variant (Variation ID: 970843). Variants that disrupt the consensus splice site are a relatively common cause of aberrant splicing (PMID: 17576681, 9536098). Algorithms developed to predict the effect of sequence changes on RNA splicing suggest that this variant is not likely to affect RNA splicing. In summary, the available evidence is currently insufficient to determine the role of this variant in disease. Therefore, it has been classified as a Variant of Uncertain Significance.

Natera, Inc.
Classification: Uncertain significance for Mucopolysaccharidosis type VI. Last evaluated: 2020-02-13. Review status: no assertion criteria provided. Collection method: clinical testing. Allele origin: germline. Not counted in ClinVar's aggregate classification.

Literature cited by the submitters: PubMed 17576681 (cited by Labcorp Genetics (formerly Invitae), Labcorp); PubMed 9536098 (cited by Labcorp Genetics (formerly Invitae), Labcorp).